The following is an entry in ClinVar:

ClinVar aggregate classification (germline): Likely pathogenic (1 of 4 stars; one submission).

Conditions:
Kabuki syndrome 1 (KABUK1). Also called: KMT2D-Related Kabuki Syndrome. Identifiers: Orphanet 2322, MedGen CN030661, MONDO:0007843, OMIM 147920.

Submission:

3billion
Classification: Likely pathogenic for Kabuki syndrome 1. Last evaluated: 2024-12-26. Review status: criteria provided, single submitter. Criteria: ACMG Guidelines, 2015. Collection method: clinical testing. Allele origin: germline. Affected: yes.
Comment: The variant is not observed in the gnomAD v4.1.0 dataset. Predicted Consequence/Location: Frameshift: predicted to result in a loss or disruption of normal protein function through nonsense-mediated decay (NMD) or protein truncation. Multiple pathogenic variants are reported downstream of the variant. Therefore, this variant is classified as Likely pathogenic according to the recommendation of ACMG/AMP guideline.

NM_003482.4(KMT2D):c.5569_5575del (p.Pro1857fs)

Gene: KMT2D (lysine methyltransferase 2D; minus strand). Cytogenetic location: 12q13.12.
Variant type: Microsatellite.
Coding change: c.5569_5575del on transcript NM_003482.4 (MANE Select); coding-DNA positions 5569 to 5575, 7 bases deleted (CCCAGTG; older notation c.5569_5575delCCCAGTG).
Protein change: p.Pro1857fs; shifts the reading frame from proline 1857.
Molecular consequence: frameshift variant.
Genome position (GRCh38, 1-based): chr12:49,043,145-49,043,151, CACTGGG deleted on the plus strand (CCCAGTG on the coding strand, the reverse complement: KMT2D is on the minus strand); deleting any 7 consecutive bases within chr12:49,043,145-49,043,158 gives the same sequence; the c. name uses the placement nearest the transcript's 3' end. VCF-style (leftmost placement, unchanged base first): chr12-49043144-TCACTGGG-T. GRCh37 (hg19) VCF-style: chr12-49436927-TCACTGGG-T.
Other names: short protein forms P1857fs.
Identifiers: ClinVar variation 4293406 (VCV004293406.1).